The following is an entry in ClinVar:

ClinVar aggregate classification (germline): Uncertain significance. Review status: criteria provided, multiple submitters, no conflicts (2 of 4 stars). 2 submissions from 2 submitters: Uncertain significance (2). Last evaluated 2025-07-29.

Conditions:
Cardiovascular phenotype. Identifiers: MedGen CN230736.
Progressive familial heart block type IB (PFHB1B). Identifiers: Orphanet 871, MedGen C1970298, MONDO:0011474, OMIM 604559.

Allele frequency attached by ClinVar (database versions not stated): ExAC 0.00001; gnomAD 0.00001; TOPMed 0.00001.
gnomAD v4.1: 5 of 1,613,950 alleles (0.00031%); highest among the groups gnomAD compares: South Asian, 0.0044%; no homozygotes.

Submissions (2):

Ambry Genetics
Classification: Uncertain significance for Cardiovascular phenotype. Last evaluated: 2025-07-29. Review status: criteria provided, single submitter. Criteria: Ambry Variant Classification Scheme 2023. Collection method: clinical testing. Allele origin: germline.
Comment: The p.G192D variant (also known as c.575G>A), located in coding exon 5 of the TRPM4 gene, results from a G to A substitution at nucleotide position 575. The glycine at codon 192 is replaced by aspartic acid, an amino acid with similar properties. This amino acid position is conserved. In addition, the in silico prediction for this alteration is inconclusive. Based on the available evidence, the clinical significance of this variant remains unclear.

Labcorp Genetics (formerly Invitae), Labcorp
Classification: Uncertain significance for Progressive familial heart block type IB. Last evaluated: 2023-11-08. Review status: criteria provided, single submitter. Criteria: Invitae Variant Classification Sherloc (09022015). Collection method: clinical testing. Allele origin: germline.
Comment: This sequence change replaces glycine, which is neutral and non-polar, with aspartic acid, which is acidic and polar, at codon 192 of the TRPM4 protein (p.Gly192Asp). This variant is present in population databases (rs750308604, gnomAD 0.006%). This variant has not been reported in the literature in individuals affected with TRPM4-related conditions. ClinVar contains an entry for this variant (Variation ID: 1060430). An algorithm developed to predict the effect of missense changes on protein structure and function (PolyPhen-2) suggests that this variant is likely to be disruptive. In summary, the available evidence is currently insufficient to determine the role of this variant in disease. Therefore, it has been classified as a Variant of Uncertain Significance.

NM_017636.4(TRPM4):c.575G>A (p.Gly192Asp)

Gene: TRPM4 (transient receptor potential cation channel subfamily M member 4; plus strand). Cytogenetic location: 19q13.33.
Variant type: single nucleotide variant.
Coding change: c.575G>A on transcript NM_017636.4 (MANE Select); coding-DNA position 575, G replaced by A.
Protein change: p.Gly192Asp; replaces glycine 192 with aspartic acid.
Molecular consequence: missense variant. On other transcripts: 5 prime UTR variant (1), intron variant (2).
Genome position (GRCh38, 1-based): chr19:49,168,386, G>A. VCF-style: chr19-49168386-G-A. GRCh37 (hg19) VCF-style: chr19-49671643-G-A.
Other names: c.575G>A, p.Gly192Asp (NM_001195227.2); c.-979G>A (NM_001321282.2); c.53G>A, p.Gly18Asp (NM_001321283.2); c.268-167G>A (NM_001321281.2); c.-237-167G>A (NM_001321285.2); c.575G>A (NM_017636.3); short protein forms G18D, G192D.
Identifiers: ClinVar variation 1060430 (VCV001060430.10), dbSNP rs750308604, ClinGen allele CA9568858.
Genomic context (GRCh38, chr19:49,168,386, plus strand): 5'-ACCATCAGATGGCCAGCACTGGGGGCACCAAGGTGGTGGCCATGGGTGTGGCCCCCTGGG[G>A]TGTGGTCCGGAATAGAGACACCCTCATCAACCCCAAGGTGTGACCCAGGGACTTGGAAAA-3'
Protein context (NP_060106.2, residues 182-202): KVVAMGVAPW[Gly192Asp]VVRNRDTLIN